The following is an entry in ClinVar:

ClinVar aggregate classification (germline): not provided (0 of 4 stars; one submission).

Conditions:
Normal pregnancy. Identifiers: MedGen C0232989.

Submission:

Institute of Molecular and Cell Biology, University of Tartu
No classification provided. Condition: Normal pregnancy. Review status: no classification provided. Collection method: case-control. Allele origin: unknown. Affected: yes. Study: Kasak2014.
Comment: The study aimed to determine the contribution of copy number variants in the genetic etiology of normal and complicated pregnancies. The samples represented (i) maternal blood DNA drawn from healthy pregnant women during 1st or 2nd trimester and (ii) maternal and paternal blood DNA drawn at term pregnancy cases representing normal and complicated gestations (severe preeclampsia, PE; gestational diabetes, GD; small-for-gestational age newborn, SGA; large-for-gestational age newborn, LGA). We performed CNV calling based on genome-wide genotyping dataset (Illumina HumanOmniExpress-24-v1 BeadChip) by applying three algorithms, QuantiSNP, GADA (Genome Alteration Detection Algorithm) and CNstream in parallel. The acquired CNV calls were merged with HD-CNV (Hotspot Detector for Copy Number Variants) program and only the CNVs predicted by at least two programs, were considered in subsequent analysis.

Literature cited by the submitters: PubMed 25666259.

Single allele

Genes: OR11H12 (olfactory receptor family 11 subfamily H member 12; plus strand), OR11H2 (olfactory receptor family 11 subfamily H member 2; minus strand), OR4K1 (olfactory receptor family 4 subfamily K member 1; plus strand), OR4K13 (olfactory receptor family 4 subfamily K member 13; minus strand), OR4K14 (olfactory receptor family 4 subfamily K member 14; minus strand) and 12 more. Cytogenetic location: 14q11.2.
Variant type: Duplication.
Identifiers: ClinVar variation 157299 (VCV000157299.2).